The following is an entry in ClinVar:

NM_004655.4(AXIN2):c.1526A>T (p.Gln509Leu)

Gene: AXIN2 (axin 2; minus strand). Cytogenetic location: 17q24.1.
Variant type: single nucleotide variant.
Coding change: c.1526A>T on transcript NM_004655.4 (MANE Select); coding-DNA position 1526, A replaced by T.
Protein change: p.Gln509Leu; replaces glutamine 509 with leucine.
Molecular consequence: missense variant.
Genome position (GRCh38, 1-based): chr17:65,537,510, T>A on the plus strand (A>T on the coding strand, the complement: AXIN2 is on the minus strand). VCF-style: chr17-65537510-T-A. GRCh37 (hg19) VCF-style: chr17-63533628-T-A.
Other names: c.1526A>T, p.Gln509Leu (NM_001363813.1); short protein forms Q509L.
Identifiers: ClinVar variation 1359272 (VCV001359272.8), dbSNP rs778327226, ClinGen allele CA400677332.

ClinVar aggregate classification (germline): Uncertain significance (1 of 4 stars; one submission).

Conditions:
Oligodontia-cancer predisposition syndrome. Also called: TOOTH AGENESIS-COLORECTAL CANCER SYNDROME. Identifiers: Orphanet 300576, MedGen C1837750, MONDO:0012075, OMIM 608615. Disease mechanism: loss of function.

gnomAD v4.1: 1 of 1,613,752 alleles (0.000062%); highest among the groups gnomAD compares: Non-Finnish European, 0.000085%; no homozygotes.

Submission:

Labcorp Genetics (formerly Invitae), Labcorp
Classification: Uncertain significance for Oligodontia-cancer predisposition syndrome. Last evaluated: 2021-06-05. Review status: criteria provided, single submitter. Criteria: Invitae Variant Classification Sherloc (09022015). Collection method: clinical testing. Allele origin: germline.
Comment: This sequence change replaces glutamine with leucine at codon 509 of the AXIN2 protein (p.Gln509Leu). The glutamine residue is highly conserved and there is a moderate physicochemical difference between glutamine and leucine. This variant is not present in population databases (ExAC no frequency). This variant has not been reported in the literature in individuals with AXIN2-related conditions. Algorithms developed to predict the effect of missense changes on protein structure and function (SIFT, PolyPhen-2, Align-GVGD) all suggest that this variant is likely to be tolerated, but these predictions have not been confirmed by published functional studies and their clinical significance is uncertain. In summary, the available evidence is currently insufficient to determine the role of this variant in disease. Therefore, it has been classified as a Variant of Uncertain Significance.